The following is an entry in ClinVar:

NM_198525.3(KIF7):c.2498A>G (p.Gln833Arg)

Gene: KIF7 (kinesin family member 7; minus strand). Cytogenetic location: 15q26.1.
Variant type: single nucleotide variant.
Coding change: c.2498A>G on transcript NM_198525.3 (MANE Select); coding-DNA position 2498, A replaced by G.
Protein change: p.Gln833Arg; replaces glutamine 833 with arginine.
Molecular consequence: missense variant.
Genome position (GRCh38, 1-based): chr15:89,633,780, T>C on the plus strand (A>G on the coding strand, the complement: KIF7 is on the minus strand). VCF-style: chr15-89633780-T-C. GRCh37 (hg19) VCF-style: chr15-90177011-T-C.
Other names: short protein forms Q833R.
Identifiers: ClinVar variation 1309982 (VCV001309982.2), dbSNP rs777880634, ClinGen allele CA7728124.
Genomic context (GRCh38, chr15:89,633,780, plus strand): 5'-TCCAGGCGCCGCTTCTGCTCCGTCTCCTCGCGAAGCCGCCTCTGCAGCTGTCCCTGCTGC[T>C]GCCGCATGAGCTGCACGTTCCGCTCGAGCTCCTGCAGTCGCTTCTCACTCTGGGCCGACA-3'
Protein context (NP_940927.2, residues 823-843): ELERNVQLMR[Gln833Arg]QQGQLQRRLR

ClinVar aggregate classification (germline): Uncertain significance (1 of 4 stars; one submission).

Allele frequency attached by ClinVar (database versions not stated): ExAC 0.00001; gnomAD exomes 0.00001; TOPMed 0.00001.
gnomAD v4.1: 4 of 1,611,764 alleles (0.00025%); highest among the groups gnomAD compares: Admixed American, 0.0017%; no homozygotes.

Submission:

GeneDx
Classification: Uncertain significance. Last evaluated: 2019-11-21. Review status: criteria provided, single submitter. Criteria: GeneDx Variant Classification Process June 2021. Collection method: clinical testing. Allele origin: germline. Affected: yes.
Comment: Not observed at a significant frequency in large population cohorts (Lek et al., 2016); In silico analysis, which includes protein predictors and evolutionary conservation, supports that this variant does not alter protein structure/function; Has not been previously published as pathogenic or benign to our knowledge